The following is an entry in ClinVar:

NM_001267550.2(TTN):c.10608G>A (p.Gln3536=)

Gene: TTN (titin; minus strand). Cytogenetic location: 2q31.2.
Variant type: single nucleotide variant.
Coding change: c.10608G>A on transcript NM_001267550.2 (MANE Select); coding-DNA position 10608, G replaced by A.
Protein change: p.Gln3536=; no amino-acid change (glutamine 3536 retained).
Molecular consequence: synonymous variant. On other transcripts: intron variant (5).
Genome position (GRCh38, 1-based): chr2:178,757,612, C>T on the plus strand (G>A on the coding strand, the complement: TTN is on the minus strand). VCF-style: chr2-178757612-C-T. GRCh37 (hg19) VCF-style: chr2-179622339-C-T.
Other names: c.10470G>A, p.Gln3490= (NM_133432.3); c.10165+1372G>A (NM_003319.4); c.10166-815G>A (NM_133437.4); c.10303+1372G>A (NM_133378.4, NM_001256850.1, NM_133379.5).
Identifiers: ClinVar variation 238699 (VCV000238699.19), dbSNP rs371651343, ClinGen allele CA2004075.

ClinVar aggregate classification (germline): Benign/Likely benign. Review status: criteria provided, multiple submitters, no conflicts (2 of 4 stars). 6 submissions from 6 submitters: Benign (1); Likely benign (2). 3 of the submissions do not count toward it. Last evaluated 2026-01-27.

Conditions:
Autosomal recessive limb-girdle muscular dystrophy type 2J (LGMDR10). Also called: MUSCULAR DYSTROPHY, LIMB-GIRDLE, AUTOSOMAL RECESSIVE 10; Limb-girdle muscular dystrophy, type 2J. Identifiers: Orphanet 140922, MedGen C1837342, MONDO:0012127, OMIM 608807.
Dilated cardiomyopathy 1G (CMD1G). Identifiers: Orphanet 154, MedGen C1858763, MONDO:0011400, OMIM 604145.
TTN-related disorder. Also called: TTN-related condition; TTN-related disease; TTN-related disorders.

Allele frequency attached by ClinVar (database versions not stated): gnomAD exomes 0.00010 and 0.00001; ExAC 0.00015; ESP Exome Variant Server 0.00024; gnomAD 0.00028 and 0.00029; TOPMed 0.00034; 1000 Genomes Project 0.00080; 1000 Genomes Project 30x 0.00094.
gnomAD v4.1: 61 of 1,612,312 alleles (0.0038%); highest among the groups gnomAD compares: African/African-American, 0.068%; no homozygotes.

Submissions (6):

Labcorp Genetics (formerly Invitae), Labcorp
Classification: Benign for Dilated cardiomyopathy 1G; Autosomal recessive limb-girdle muscular dystrophy type 2J. Last evaluated: 2026-01-27. Review status: criteria provided, single submitter. Criteria: Invitae Variant Classification Sherloc (09022015). Collection method: clinical testing. Allele origin: germline.

Molecular Diagnostic Laboratory for Inherited Cardiovascular Disease, Montreal Heart Institute
Classification: Likely benign. Last evaluated: 2025-04-09. Review status: criteria provided, single submitter. Criteria: ACMG Guidelines, 2015. Collection method: clinical testing. Allele origin: germline. Affected: no.

PreventionGenetics, part of Exact Sciences
Classification: Likely benign for TTN-related condition. Last evaluated: 2025-03-09. Review status: criteria provided, single submitter. Criteria: ACMG Guidelines, 2015. Collection method: clinical testing. Allele origin: germline.
Comment: This variant is classified as likely benign based on ACMG/AMP sequence variant interpretation guidelines (Richards et al. 2015 PMID: 25741868, with internal and published modifications).

Clinical Genetics DNA and cytogenetics Diagnostics Lab, Erasmus MC, Erasmus Medical Center
Classification: Likely benign. Review status: no assertion criteria provided. Collection method: clinical testing. Allele origin: germline. Affected: yes. Study: VKGL Data-share Consensus. Not counted in ClinVar's aggregate classification.

Clinical Genetics, Academic Medical Center
Classification: Benign. Review status: no assertion criteria provided. Collection method: clinical testing. Allele origin: germline. Affected: yes. Study: VKGL Data-share Consensus. Not counted in ClinVar's aggregate classification.

Joint Genome Diagnostic Labs from Nijmegen and Maastricht, Radboudumc and MUMC+
Classification: Benign. Review status: no assertion criteria provided. Collection method: clinical testing. Allele origin: germline. Affected: yes. Study: VKGL Data-share Consensus. Not counted in ClinVar's aggregate classification.